The following is an entry in ClinVar:

ClinVar aggregate classification (germline): Uncertain significance (1 of 4 stars; one submission).

Conditions:
Pyogenic arthritis-pyoderma gangrenosum-acne syndrome (PAPA). Also called: PAPA SYNDROME; FAMILIAL RECURRENT ARTHRITIS. Identifiers: Orphanet 69126, MedGen C1858361, MONDO:0011462, OMIM 604416.

gnomAD v4.1: 2 of 1,586,974 alleles (0.00013%); highest among the groups gnomAD compares: Non-Finnish European, 0.00017%; no homozygotes.

Submission:

Labcorp Genetics (formerly Invitae), Labcorp
Classification: Uncertain significance for Pyogenic arthritis-pyoderma gangrenosum-acne syndrome. Last evaluated: 2024-11-13. Review status: criteria provided, single submitter. Criteria: Invitae Variant Classification Sherloc (09022015). Collection method: clinical testing. Allele origin: germline.
Comment: This sequence change replaces alanine, which is neutral and non-polar, with threonine, which is neutral and polar, at codon 163 of the PSTPIP1 protein (p.Ala163Thr). This variant is not present in population databases (gnomAD no frequency). This variant has not been reported in the literature in individuals affected with PSTPIP1-related conditions. Invitae Evidence Modeling of protein sequence and biophysical properties (such as structural, functional, and spatial information, amino acid conservation, physicochemical variation, residue mobility, and thermodynamic stability) indicates that this missense variant is not expected to disrupt PSTPIP1 protein function with a negative predictive value of 80%. In summary, the available evidence is currently insufficient to determine the role of this variant in disease. Therefore, it has been classified as a Variant of Uncertain Significance.

NM_003978.5(PSTPIP1):c.487G>A (p.Ala163Thr)

Gene: PSTPIP1 (proline-serine-threonine phosphatase interacting protein 1; plus strand). Cytogenetic location: 15q24.3.
Variant type: single nucleotide variant.
Coding change: c.487G>A on transcript NM_003978.5 (MANE Select); coding-DNA position 487, G replaced by A.
Protein change: p.Ala163Thr; replaces alanine 163 with threonine.
Molecular consequence: missense variant. On other transcripts: non-coding transcript variant (1).
Genome position (GRCh38, 1-based): chr15:77,028,623, G>A. VCF-style: chr15-77028623-G-A. GRCh37 (hg19) VCF-style: chr15-77320964-G-A.
Other names: c.487G>A, p.Ala163Thr (NM_001321135.2, NM_001411086.1); c.460G>A, p.Ala154Thr (NM_001321136.2); c.682G>A, p.Ala228Thr (NM_001321137.1); short protein forms A154T, A228T, A163T.
Identifiers: ClinVar variation 3719836 (VCV003719836.2).